The following is an entry in ClinVar:

NM_018089.3(ANKZF1):c.1174del (p.Leu392fs)

Gene: ANKZF1 (ankyrin repeat and zinc finger peptidyl tRNA hydrolase 1; plus strand). Cytogenetic location: 2q35.
Variant type: Deletion.
Coding change: c.1174del on transcript NM_018089.3 (MANE Select); coding-DNA position 1174, one base deleted (C; older notation c.1174delC).
Protein change: p.Leu392fs; shifts the reading frame from leucine 392.
Molecular consequence: frameshift variant.
Genome position (GRCh38, 1-based): chr2:219,234,258, C deleted. VCF-style (leftmost placement, unchanged base first): chr2-219234257-GC-G. GRCh37 (hg19) VCF-style: chr2-220098979-GC-G.
Other names: c.1174del, p.Leu392fs (NM_001042410.2); c.544del, p.Leu182fs (NM_001282792.2); short protein forms L392fs, L182fs.
Identifiers: ClinVar variation 2127375 (VCV002127375.4), dbSNP rs1289598805, ClinGen allele CA539632216.
Genomic context (GRCh38, chr2:219,234,257, plus strand): 5'-GGAGAGAAAGAAGCCTACTGAGGAAGAAATAAGAAAGATCTGCAGGGATGAAAAGGAAGC[GC>G]TGGGGCAGAATGAGGAATCTCCCAAACAGGGTTTGATTACTATCTGGCAACTGTCAGATC-3'

ClinVar aggregate classification (germline): Uncertain significance (1 of 4 stars; one submission).

Allele frequency attached by ClinVar (database versions not stated): TOPMed below 0.00001; gnomAD exomes 0.00001.

Submission:

Labcorp Genetics (formerly Invitae), Labcorp
Classification: Uncertain significance. Last evaluated: 2023-03-21. Review status: criteria provided, single submitter. Criteria: Invitae Variant Classification Sherloc (09022015). Collection method: clinical testing. Allele origin: germline.
Comment: In summary, the available evidence is currently insufficient to determine the role of this variant in disease. Therefore, it has been classified as a Variant of Uncertain Significance. ClinVar contains an entry for this variant (Variation ID: 2127375). This variant has not been reported in the literature in individuals affected with ANKZF1-related conditions. This sequence change creates a premature translational stop signal (p.Leu392Trpfs*22) in the ANKZF1 gene. It is expected to result in an absent or disrupted protein product. However, the current clinical and genetic evidence is not sufficient to establish whether loss-of-function variants in ANKZF1 cause disease. This variant is present in population databases (no rsID available, gnomAD 0.002%).